The following is an entry in ClinVar:

NM_012203.2(GRHPR):c.102G>A (p.Trp34Ter)

Gene: GRHPR (glyoxylate and hydroxypyruvate reductase; plus strand). Cytogenetic location: 9p13.2.
Variant type: single nucleotide variant.
Coding change: c.102G>A on transcript NM_012203.2 (MANE Select); coding-DNA position 102, G replaced by A.
Protein change: p.Trp34Ter; replaces tryptophan 34 with a stop codon.
Molecular consequence: nonsense.
Genome position (GRCh38, 1-based): chr9:37,424,863, G>A. VCF-style: chr9-37424863-G-A. GRCh37 (hg19) VCF-style: chr9-37424860-G-A.
Other names: short protein forms W34*.
Identifiers: ClinVar variation 204231 (VCV000204231.16), dbSNP rs180177304, ClinGen allele CA275883.

ClinVar aggregate classification (germline): Pathogenic/Likely pathogenic. Review status: criteria provided, multiple submitters, no conflicts (2 of 4 stars). 4 submissions from 4 submitters: Pathogenic (1); Likely pathogenic (1). 2 of the submissions do not count toward it. Last evaluated 2024-06-24.

Conditions:
Primary hyperoxaluria, type II (HP2). Also called: D-GLYCERATE DEHYDROGENASE DEFICIENCY; GLYCERIC ACIDURIA; GLYOXYLATE REDUCTASE/HYDROXYPYRUVATE REDUCTASE DEFICIENCY; OXALOSIS II; Primary hyperoxaluria type 2. Identifiers: Orphanet 416, Orphanet 93599, MedGen C0268165, MONDO:0009824, OMIM 260000. Disease mechanism: loss of function.

Allele frequency attached by ClinVar (database versions not stated): TOPMed below 0.00001; gnomAD 0.00001; gnomAD exomes 0.00001.
gnomAD v4.1: 18 of 1,613,270 alleles (0.0011%); highest among the groups gnomAD compares: Non-Finnish European, 0.0014%; no homozygotes.

Submissions (4):

Natera, Inc.
Classification: Likely pathogenic for Primary hyperoxaluria type II. Last evaluated: 2024-06-24. Review status: criteria provided, single submitter. Criteria: Natera Variant Classification Schema (03/2026). Collection method: clinical testing. Allele origin: germline.
Comment: The c.102G>A variant in GRHPR is a nonsense variant predicted to introduce a stop codon at amino acid 34. This variant is expected to result in nonsense mediated decay, truncation, or a dysfunctional protein product. This variant is rare in the general population with a frequency below the threshold expected for the associated phenotype(s). Given the available evidence, this variant is classified as Likely Pathogenic.

Labcorp Genetics (formerly Invitae), Labcorp
Classification: Pathogenic. Last evaluated: 2023-08-11. Review status: criteria provided, single submitter. Criteria: Invitae Variant Classification Sherloc (09022015). Collection method: clinical testing. Allele origin: germline.
Comment: This sequence change creates a premature translational stop signal (p.Trp34*) in the GRHPR gene. It is expected to result in an absent or disrupted protein product. Loss-of-function variants in GRHPR are known to be pathogenic (PMID: 25644115). This variant is not present in population databases (gnomAD no frequency). This premature translational stop signal has been observed in individual(s) with primary hyperoxaluria type 2 (PMID: 25629080, 31685312). ClinVar contains an entry for this variant (Variation ID: 204231). For these reasons, this variant has been classified as Pathogenic.

Counsyl
Classification: Likely pathogenic for Primary hyperoxaluria, type II. Last evaluated: 2017-11-29. Review status: no assertion criteria provided. Collection method: clinical testing. Allele origin: unknown. Not counted in ClinVar's aggregate classification.

Clinical Biochemistry Laboratory, Health Services Laboratory
Classification: Pathogenic for Primary hyperoxaluria, type II. Last evaluated: 2014-11-27. Review status: no assertion criteria provided. Collection method: research. Allele origin: germline. Affected: yes. Not counted in ClinVar's aggregate classification.

Literature cited by the submitters: PubMed 25644115 (cited by Labcorp Genetics (formerly Invitae), Labcorp); PubMed 25629080 (cited by Labcorp Genetics (formerly Invitae), Labcorp and Counsyl); PubMed 31685312 (cited by Labcorp Genetics (formerly Invitae), Labcorp).